The following is an entry in ClinVar:

NM_014014.5(SNRNP200):c.3694G>T (p.Val1232Leu)

Gene: SNRNP200 (small nuclear ribonucleoprotein U5 subunit 200; minus strand). Cytogenetic location: 2q11.2.
Variant type: single nucleotide variant.
Coding change: c.3694G>T on transcript NM_014014.5 (MANE Select); coding-DNA position 3694, G replaced by T.
Protein change: p.Val1232Leu; replaces valine 1232 with leucine.
Molecular consequence: missense variant.
Genome position (GRCh38, 1-based): chr2:96,286,823, C>A on the plus strand (G>T on the coding strand, the complement: SNRNP200 is on the minus strand). VCF-style: chr2-96286823-C-A. GRCh37 (hg19) VCF-style: chr2-96952561-C-A.
Other names: short protein forms V1232L.
Identifiers: ClinVar variation 1504753 (VCV001504753.6), dbSNP rs2104344508, ClinGen allele CA347671694.

ClinVar aggregate classification (germline): Uncertain significance (1 of 4 stars; one submission).

Submission:

Labcorp Genetics (formerly Invitae), Labcorp
Classification: Uncertain significance. Last evaluated: 2022-09-06. Review status: criteria provided, single submitter. Criteria: Invitae Variant Classification Sherloc (09022015). Collection method: clinical testing. Allele origin: germline.
Comment: Algorithms developed to predict the effect of missense changes on protein structure and function (SIFT, PolyPhen-2, Align-GVGD) all suggest that this variant is likely to be tolerated. In summary, the available evidence is currently insufficient to determine the role of this variant in disease. Therefore, it has been classified as a Variant of Uncertain Significance. ClinVar contains an entry for this variant (Variation ID: 1504753). This variant has not been reported in the literature in individuals affected with SNRNP200-related conditions. This variant is not present in population databases (gnomAD no frequency). This sequence change replaces valine, which is neutral and non-polar, with leucine, which is neutral and non-polar, at codon 1232 of the SNRNP200 protein (p.Val1232Leu).